The following is an entry in ClinVar:

NM_001378452.1(ITPR1):c.6970G>A (p.Ala2324Thr)

Gene: ITPR1 (inositol 1,4,5-trisphosphate receptor type 1; plus strand). Cytogenetic location: 3p26.1.
Variant type: single nucleotide variant.
Coding change: c.6970G>A on transcript NM_001378452.1 (MANE Select); coding-DNA position 6970, G replaced by A.
Protein change: p.Ala2324Thr; replaces alanine 2324 with threonine.
Molecular consequence: missense variant.
Genome position (GRCh38, 1-based): chr3:4,800,463, G>A. VCF-style: chr3-4800463-G-A. GRCh37 (hg19) VCF-style: chr3-4842147-G-A.
Other names: c.6826G>A, p.Ala2276Thr (NM_001099952.4); c.6925G>A, p.Ala2309Thr (NM_001168272.2); c.6781G>A, p.Ala2261Thr (NM_002222.7); short protein forms A2309T, A2261T, A2276T, A2324T.
Identifiers: ClinVar variation 2822399 (VCV002822399.3), dbSNP rs757806112, ClinGen allele CA68835590.

ClinVar aggregate classification (germline): Uncertain significance (1 of 4 stars; one submission).

Allele frequency attached by ClinVar (database versions not stated): TOPMed 0.00003; gnomAD 0.00004.
gnomAD v4.1: 6 of 1,613,936 alleles (0.00037%); highest among the groups gnomAD compares: African/African-American, 0.008%; no homozygotes.

Submission:

Labcorp Genetics (formerly Invitae), Labcorp
Classification: Uncertain significance. Last evaluated: 2024-08-13. Review status: criteria provided, single submitter. Criteria: Invitae Variant Classification Sherloc (09022015). Collection method: clinical testing. Allele origin: germline.
Comment: This sequence change replaces alanine, which is neutral and non-polar, with threonine, which is neutral and polar, at codon 2261 of the ITPR1 protein (p.Ala2261Thr). This variant is present in population databases (rs757806112, gnomAD 0.03%). This variant has not been reported in the literature in individuals affected with ITPR1-related conditions. Advanced modeling of protein sequence and biophysical properties (such as structural, functional, and spatial information, amino acid conservation, physicochemical variation, residue mobility, and thermodynamic stability) performed at Invitae indicates that this missense variant is not expected to disrupt ITPR1 protein function with a negative predictive value of 80%. In summary, the available evidence is currently insufficient to determine the role of this variant in disease. Therefore, it has been classified as a Variant of Uncertain Significance.